The following is an entry in ClinVar:

NM_130384.3(ATRIP):c.2227G>A (p.Glu743Lys)

Genes: ATRIP (ATR interacting protein; plus strand), ATRIP-TREX1 (ATRIP-TREX1 readthrough; plus strand). Cytogenetic location: 3p21.31.
Variant type: single nucleotide variant.
Coding change: c.2227G>A on transcript NM_130384.3 (MANE Select); coding-DNA position 2227, G replaced by A.
Protein change: p.Glu743Lys; replaces glutamic acid 743 with lysine.
Molecular consequence: missense variant. On other transcripts: non-coding transcript variant (1).
Genome position (GRCh38, 1-based): chr3:48,465,002, G>A. VCF-style: chr3-48465002-G-A. GRCh37 (hg19) VCF-style: chr3-48506401-G-A.
Other names: c.1846G>A, p.Glu616Lys (NM_001271022.2); c.1948G>A, p.Glu650Lys (NM_001271023.2); c.2146G>A, p.Glu716Lys (NM_032166.4); short protein forms E616K, E650K, E716K, E743K.
Identifiers: ClinVar variation 4844951 (VCV004844951.1).

ClinVar aggregate classification (germline): Uncertain significance (1 of 4 stars; one submission).

Submission:

Ambry Genetics
Classification: Uncertain significance. Last evaluated: 2026-02-21. Review status: criteria provided, single submitter. Criteria: Ambry Variant Classification Scheme 2023. Collection method: clinical testing. Allele origin: germline.
Comment: The p.E743K variant (also known as c.2227G>A), located in coding exon 12 of the ATRIP gene, results from a G to A substitution at nucleotide position 2227. The glutamic acid at codon 743 is replaced by lysine, an amino acid with similar properties. This amino acid position is conserved. In addition, the in silico prediction for this alteration is inconclusive. Based on the available evidence, the clinical significance of this variant remains unclear.